The following is an entry in ClinVar:

ClinVar aggregate classification (germline): Benign. Review status: criteria provided, multiple submitters, no conflicts (2 of 4 stars). 2 submissions from 2 submitters: Benign (2). Last evaluated 2018-01-12.

Conditions:
Cone-rod dystrophy 5 (CORD5). Identifiers: Orphanet 1872, MedGen C1832976, MONDO:0010969, OMIM 600977.

Allele frequency attached by ClinVar (database versions not stated): 1000 Genomes Project 0.06350; TOPMed 0.07134; 1000 Genomes Project 30x 0.08057; gnomAD 0.20892 and 0.21950.

Submissions (2):

Illumina Laboratory Services, Illumina
Classification: Benign for Cone-rod dystrophy 5. Last evaluated: 2018-01-12. Review status: criteria provided, single submitter. Criteria: ICSL Variant Classification Criteria 13 December 2019. Collection method: clinical testing. Allele origin: germline.
Comment: This variant was observed in the ICSL laboratory as part of a predisposition screen in an ostensibly healthy population. It had not been previously curated by ICSL or reported in the Human Gene Mutation Database (HGMD: prior to June 1st, 2018), and was therefore a candidate for classification through an automated scoring system. Utilizing variant allele frequency, disease prevalence and penetrance estimates, and inheritance mode, an automated score was calculated to assess if this variant is too frequent to cause the disease. Based on the score and internal cut-off values, a variant classified as benign is not then subjected to further curation. The score for this variant resulted in a classification of benign for this disease.

Breakthrough Genomics
Classification: Benign. Review status: criteria provided, single submitter. Criteria: ACMG Guidelines, 2015. Collection method: not provided. Allele origin: germline. Inheritance: Autosomal dominant inheritance. Affected: yes.

NM_031220.4(PITPNM3):c.*3561G>A

Gene: PITPNM3 (PITPNM family member 3; minus strand). Cytogenetic location: 17p13.2.
Variant type: single nucleotide variant.
Coding change: c.*3561G>A on transcript NM_031220.4 (MANE Select); 3561 bases downstream of the stop codon, G replaced by A.
Molecular consequence: 3 prime UTR variant.
Genome position (GRCh38, 1-based): chr17:6,451,777, C>T on the plus strand (G>A on the coding strand, the complement: PITPNM3 is on the minus strand). VCF-style: chr17-6451777-C-T. GRCh37 (hg19) VCF-style: chr17-6355097-C-T.
Other names: c.*3561G>A (NM_001165966.2).
Identifiers: ClinVar variation 324658 (VCV000324658.6), dbSNP rs57360986, ClinGen allele CA10649866.
Genomic context (GRCh38, chr17:6,451,777, plus strand): 5'-AGGAGAGCAGAGCCCAGGTCAGGCCTCACTGCTTGGACTTAACCCTAACTATGATTTTTA[C>T]GAAGGTTTCCCCCAAGCCCGGAAGGAAAGGAAGGAGGGAATGTTTCTTTTGGCTGAGCCA-3'